The following is an entry in ClinVar:

NM_144670.6(A2ML1):c.380A>G (p.Asp127Gly)

Genes: A2ML1 (alpha-2-macroglobulin like 1; plus strand), A2ML1-AS1 (A2ML1 antisense RNA 1; minus strand). Cytogenetic location: 12p13.31.
Variant type: single nucleotide variant.
Coding change: c.380A>G on transcript NM_144670.6 (MANE Select); coding-DNA position 380, A replaced by G.
Protein change: p.Asp127Gly; replaces aspartic acid 127 with glycine.
Molecular consequence: missense variant.
Genome position (GRCh38, 1-based): chr12:8,823,853, A>G. VCF-style: chr12-8823853-A-G. GRCh37 (hg19) VCF-style: chr12-8976449-A-G.
Other names: short protein forms D127G.
Identifiers: ClinVar variation 3540183 (VCV003540183.1).

ClinVar aggregate classification (germline): Uncertain significance (1 of 4 stars; one submission).

Submission:

Ambry Genetics
Classification: Uncertain significance. Last evaluated: 2024-12-09. Review status: criteria provided, single submitter. Criteria: Ambry Variant Classification Scheme 2023. Collection method: clinical testing. Allele origin: germline.
Comment: The p.D127G variant (also known as c.380A>G), located in coding exon 3 of the A2ML1 gene, results from an A to G substitution at nucleotide position 380. The aspartic acid at codon 127 is replaced by glycine, an amino acid with similar properties. This amino acid position is conserved. In addition, this alteration is predicted to be deleterious by in silico analysis. Based on the available evidence, the clinical significance of this variant remains unclear.